The following is an entry in ClinVar:

ClinVar aggregate classification (germline): Likely benign (0 of 4 stars; one submission).

Conditions:
CDH4-related disorder. Also called: CDH4-related condition.

Allele frequency attached by ClinVar (database versions not stated): gnomAD exomes 0.00004; gnomAD 0.00007; ExAC 0.00009; TOPMed 0.00010; 1000 Genomes Project 0.00020; 1000 Genomes Project 30x 0.00047.
gnomAD v4.1: 62 of 1,289,150 alleles (0.0048%); highest among the groups gnomAD compares: East Asian, 0.22%; no homozygotes.

Submission:

PreventionGenetics, part of Exact Sciences
Classification: Likely benign for CDH4-related condition. Last evaluated: 2019-03-21. Review status: no assertion criteria provided. Collection method: clinical testing. Allele origin: germline.
Comment: This variant is classified as likely benign based on ACMG/AMP sequence variant interpretation guidelines (Richards et al. 2015 PMID: 25741868, with internal and published modifications).

NM_001794.5(CDH4):c.170-244081C>T

Gene: CDH4 (cadherin 4; plus strand). Cytogenetic location: 20q13.33.
Variant type: single nucleotide variant.
Coding change: c.170-244081C>T on transcript NM_001794.5 (MANE Select); 244081 bases into the intron before coding-DNA position 170, C replaced by T.
Molecular consequence: intron variant. On other transcripts: synonymous variant (1).
Genome position (GRCh38, 1-based): chr20:61,499,482, C>T. VCF-style: chr20-61499482-C-T. GRCh37 (hg19) VCF-style: chr20-60074538-C-T.
Other names: c.48C>T, p.Cys16= (NM_001252338.2).
Identifiers: ClinVar variation 3046991 (VCV003046991.2), dbSNP rs549272296, ClinGen allele CA9934225.
Genomic context (GRCh38, chr20:61,499,482, plus strand): 5'-GAACAAGGATTCGATGAACGGCAGCTGTGACTTCATTCTCAGCGCCTCCTTTCTACCCTG[C>T]TTTAAAGAAGGCAAGTGTGAGTGTGCTAGGGGGGCTTAGGGTTGTTTGTGGGCCACTTCT-3'